The following is an entry in ClinVar:

NM_000094.4(COL7A1):c.3824G>A (p.Gly1275Asp)

Gene: COL7A1 (collagen type VII alpha 1 chain; minus strand). Cytogenetic location: 3p21.31.
Variant type: single nucleotide variant.
Coding change: c.3824G>A on transcript NM_000094.4 (MANE Select); coding-DNA position 3824, G replaced by A.
Protein change: p.Gly1275Asp; replaces glycine 1275 with aspartic acid.
Molecular consequence: missense variant.
Genome position (GRCh38, 1-based): chr3:48,585,697, C>T on the plus strand (G>A on the coding strand, the complement: COL7A1 is on the minus strand). VCF-style: chr3-48585697-C-T. GRCh37 (hg19) VCF-style: chr3-48623130-C-T.
Other names: short protein forms G1275D.
Identifiers: ClinVar variation 2169167 (VCV002169167.2), dbSNP rs758985027, ClinGen allele CA2380382.

ClinVar aggregate classification (germline): Uncertain significance. Review status: criteria provided, multiple submitters, no conflicts (2 of 4 stars). 2 submissions from 2 submitters: Uncertain significance (2). Last evaluated 2025-01-17.

Conditions:
Inborn genetic diseases. Identifiers: MedGen C0950123, MeSH D030342.

Allele frequency attached by ClinVar (database versions not stated): ExAC 0.00001; gnomAD 0.00002; gnomAD exomes 0.00002; TOPMed 0.00002.
gnomAD v4.1: 32 of 1,613,874 alleles (0.002%); highest among the groups gnomAD compares: Non-Finnish European, 0.0024%; no homozygotes.

Submissions (2):

Ambry Genetics
Classification: Uncertain significance for Inborn genetic diseases. Last evaluated: 2025-01-17. Review status: criteria provided, single submitter. Criteria: Ambry Variant Classification Scheme 2023. Collection method: clinical testing. Allele origin: germline.

Labcorp Genetics (formerly Invitae), Labcorp
Classification: Uncertain significance. Last evaluated: 2022-06-28. Review status: criteria provided, single submitter. Criteria: Invitae Variant Classification Sherloc (09022015). Collection method: clinical testing. Allele origin: germline.
Comment: This sequence change replaces glycine, which is neutral and non-polar, with aspartic acid, which is acidic and polar, at codon 1275 of the COL7A1 protein (p.Gly1275Asp). This variant is present in population databases (rs758985027, gnomAD 0.0009%). This variant has not been reported in the literature in individuals affected with COL7A1-related conditions. Advanced modeling of protein sequence and biophysical properties (such as structural, functional, and spatial information, amino acid conservation, physicochemical variation, residue mobility, and thermodynamic stability) performed at Invitae indicates that this missense variant is expected to disrupt COL7A1 protein function. This variant disrupts the triple helix domain of COL7A1. Glycine residues within the Gly-Xaa-Yaa repeats of the triple helix domain are required for the structure and stability of fibrillar collagens (PMID: 7695699, 8218237, 19344236), and variants at these glycine residues in COL7A1 are more frequently observed in individuals with disease than in the general population (PMID: 22058051). However, the clinical significance of this observation remains uncertain since only a limited number of affected individuals have been described to date. In summary, the available evidence is currently insufficient to determine the role of this variant in disease. Therefore, it has been classified as a Variant of Uncertain Significance.

Literature cited by the submitters: PubMed 7695699 (cited by Labcorp Genetics (formerly Invitae), Labcorp); PubMed 8218237 (cited by Labcorp Genetics (formerly Invitae), Labcorp); PubMed 19344236 (cited by Labcorp Genetics (formerly Invitae), Labcorp); PubMed 22058051 (cited by Labcorp Genetics (formerly Invitae), Labcorp).